The following is an entry in ClinVar:

ClinVar aggregate classification (germline): Uncertain significance (1 of 4 stars; one submission).

Conditions:
Inborn genetic diseases. Identifiers: MedGen C0950123, MeSH D030342.

Submission:

Ambry Genetics
Classification: Uncertain significance for Inborn genetic diseases. Last evaluated: 2021-11-22. Review status: criteria provided, single submitter. Criteria: Ambry Variant Classification Scheme 2023. Collection method: clinical testing. Allele origin: germline.
Comment: The p.V951I variant (also known as c.2851G>A) is located in coding exon 22 of the BUB1B gene. The valine at codon 951 is replaced by isoleucine, an amino acid with highly similar properties. This change occurs in the first base pair of coding exon 22. This amino acid position is conserved. In addition, this alteration is predicted to be tolerated by in silico analysis. Since supporting evidence is limited at this time, the clinical significance of this alteration remains unclear.

NM_001211.6(BUB1B):c.2851G>A (p.Val951Ile)

Genes: BUB1B (BUB1 mitotic checkpoint serine/threonine kinase B; plus strand), BUB1B-PAK6 (BUB1B-PAK6 readthrough; plus strand). Cytogenetic location: 15q15.1.
Variant type: single nucleotide variant.
Coding change: c.2851G>A on transcript NM_001211.6 (MANE Select); coding-DNA position 2851, G replaced by A.
Protein change: p.Val951Ile; replaces valine 951 with isoleucine.
Molecular consequence: missense variant. On other transcripts: intron variant (2).
Genome position (GRCh38, 1-based): chr15:40,218,456, G>A. VCF-style: chr15-40218456-G-A. GRCh37 (hg19) VCF-style: chr15-40510657-G-A.
Other names: c.-201+789G>A (NM_001128628.3); c.-118+789G>A (NM_001128629.3); short protein forms V951I.
Identifiers: ClinVar variation 1796845 (VCV001796845.2), dbSNP rs2542587404, ClinGen allele CA391688173.